The following is an entry in ClinVar:

ClinVar aggregate classification (germline): Uncertain significance (1 of 4 stars; one submission).

Conditions:
Long QT syndrome (LQTS). Identifiers: MedGen C0023976, MeSH D008133, MONDO:0002442. Disease mechanism: loss of function. Inheritance: Various modes of inheritance.

Submission:

Labcorp Genetics (formerly Invitae), Labcorp
Classification: Uncertain significance for Long QT syndrome. Last evaluated: 2022-03-09. Review status: criteria provided, single submitter. Criteria: Invitae Variant Classification Sherloc (09022015). Collection method: clinical testing. Allele origin: germline.
Comment: In summary, the available evidence is currently insufficient to determine the role of this variant in disease. Therefore, it has been classified as a Variant of Uncertain Significance. This sequence change replaces leucine, which is neutral and non-polar, with arginine, which is basic and polar, at codon 1045 of the KCNH2 protein (p.Leu1045Arg). This variant is not present in population databases (gnomAD no frequency). This variant has not been reported in the literature in individuals affected with KCNH2-related conditions. ClinVar contains an entry for this variant (Variation ID: 1025586). Algorithms developed to predict the effect of missense changes on protein structure and function are either unavailable or do not agree on the potential impact of this missense change (SIFT: "Deleterious"; PolyPhen-2: "Probably Damaging"; Align-GVGD: "Class C0").

NM_000238.4(KCNH2):c.3134T>G (p.Leu1045Arg)

Gene: KCNH2 (potassium voltage-gated channel subfamily H member 2; minus strand). Cytogenetic location: 7q36.1.
Variant type: single nucleotide variant.
Coding change: c.3134T>G on transcript NM_000238.4 (MANE Select); coding-DNA position 3134, T replaced by G.
Protein change: p.Leu1045Arg; replaces leucine 1045 with arginine.
Molecular consequence: missense variant.
Genome position (GRCh38, 1-based): chr7:150,947,346, A>C on the plus strand (T>G on the coding strand, the complement: KCNH2 is on the minus strand). VCF-style: chr7-150947346-A-C. GRCh37 (hg19) VCF-style: chr7-150644434-A-C.
Other names: c.2114T>G, p.Leu705Arg (NM_172057.3); short protein forms L1045R, L705R.
Identifiers: ClinVar variation 1025586 (VCV001025586.8), dbSNP rs1800934753, ClinGen allele CA369852529.